The following is an entry in ClinVar:

ClinVar aggregate classification (germline): Uncertain significance (1 of 4 stars; one submission).

Submission:

Labcorp Genetics (formerly Invitae), Labcorp
Classification: Uncertain significance. Last evaluated: 2023-12-07. Review status: criteria provided, single submitter. Criteria: Invitae Variant Classification Sherloc (09022015). Collection method: clinical testing. Allele origin: germline.
Comment: This sequence change replaces methionine, which is neutral and non-polar, with isoleucine, which is neutral and non-polar, at codon 239 of the COL2A1 protein (p.Met239Ile). This variant is not present in population databases (gnomAD no frequency). This variant has not been reported in the literature in individuals affected with COL2A1-related conditions. Advanced modeling of protein sequence and biophysical properties (such as structural, functional, and spatial information, amino acid conservation, physicochemical variation, residue mobility, and thermodynamic stability) performed at Invitae indicates that this missense variant is not expected to disrupt COL2A1 protein function with a negative predictive value of 95%. In summary, the available evidence is currently insufficient to determine the role of this variant in disease. Therefore, it has been classified as a Variant of Uncertain Significance.

NM_001844.5(COL2A1):c.717G>A (p.Met239Ile)

Gene: COL2A1 (collagen type II alpha 1 chain; minus strand). Cytogenetic location: 12q13.11.
Variant type: single nucleotide variant.
Coding change: c.717G>A on transcript NM_001844.5 (MANE Select); coding-DNA position 717, G replaced by A.
Protein change: p.Met239Ile; replaces methionine 239 with isoleucine.
Molecular consequence: missense variant.
Genome position (GRCh38, 1-based): chr12:47,995,300, C>T on the plus strand (G>A on the coding strand, the complement: COL2A1 is on the minus strand). VCF-style: chr12-47995300-C-T. GRCh37 (hg19) VCF-style: chr12-48389083-C-T.
Other names: c.510G>A, p.Met170Ile (NM_033150.3); short protein forms M239I, M170I.
Identifiers: ClinVar variation 2813860 (VCV002813860.3), dbSNP rs2540172916, ClinGen allele CA384523410.